The following is an entry in ClinVar:

NM_001330574.2(ZNF711):c.142G>A (p.Ala48Thr)

Gene: ZNF711 (zinc finger protein 711; plus strand). Cytogenetic location: Xq21.1.
Variant type: single nucleotide variant.
Coding change: c.142G>A on transcript NM_001330574.2 (MANE Select); coding-DNA position 142, G replaced by A.
Protein change: p.Ala48Thr; replaces alanine 48 with threonine.
Molecular consequence: missense variant.
Genome position (GRCh38, 1-based): chrX:85,255,321, G>A. VCF-style: chrX-85255321-G-A. GRCh37 (hg19) VCF-style: chrX-84510327-G-A.
Other names: c.142G>A, p.Ala48Thr (NM_001375431.1, NM_001375432.1, NM_001375433.1 and 5 more transcripts); short protein forms A48T.
Identifiers: ClinVar variation 3770030 (VCV003770030.1).

ClinVar aggregate classification (germline): Uncertain significance (1 of 4 stars; one submission).

Submission:

GeneDx
Classification: Uncertain significance. Last evaluated: 2024-09-17. Review status: criteria provided, single submitter. Criteria: GeneDx Variant Classification Process June 2021. Collection method: clinical testing. Allele origin: germline. Affected: yes.
Comment: Not observed at significant frequency in large population cohorts (gnomAD); In silico analysis indicates that this missense variant does not alter protein structure/function; Has not been previously published as pathogenic or benign to our knowledge